The following is an entry in ClinVar:

NM_001128148.3(TFRC):c.1439C>T (p.Thr480Ile)

Gene: TFRC (transferrin receptor; minus strand). Cytogenetic location: 3q29.
Variant type: single nucleotide variant.
Coding change: c.1439C>T on transcript NM_001128148.3 (MANE Select); coding-DNA position 1439, C replaced by T.
Protein change: p.Thr480Ile; replaces threonine 480 with isoleucine.
Molecular consequence: missense variant.
Genome position (GRCh38, 1-based): chr3:196,062,611, G>A on the plus strand (C>T on the coding strand, the complement: TFRC is on the minus strand). VCF-style: chr3-196062611-G-A. GRCh37 (hg19) VCF-style: chr3-195789482-G-A.
Other names: c.1196C>T, p.Thr399Ile (NM_001313965.2); c.593C>T, p.Thr198Ile (NM_001313966.2); c.1439C>T, p.Thr480Ile (NM_003234.4); short protein forms T198I, T480I, T399I.
Identifiers: ClinVar variation 4741971 (VCV004741971.1).
Genomic context (GRCh38, chr3:196,062,611, plus strand): 5'-TTCATACACAGCTAATGAAAGGGATACTTACCAAGAACCGCTTTATCCAGATTAATATAA[G>A]TGAAAGCCTTTAAATGCAGGGACGAAAGGTATCCCTAGAAGAGAAGGGAAAACACTAATA-3'
Protein context (NP_001121620.1, residues 470-490): YLSSLHLKAF[Thr480Ile]YINLDKAVLG

ClinVar aggregate classification (germline): Uncertain significance (1 of 4 stars; one submission).

gnomAD v4.1: 14 of 1,609,570 alleles (0.00087%); highest among the groups gnomAD compares: Non-Finnish European, 0.0012%; no homozygotes.

Submission:

Labcorp Genetics (formerly Invitae), Labcorp
Classification: Uncertain significance. Last evaluated: 2026-01-08. Review status: criteria provided, single submitter. Criteria: Invitae Variant Classification Sherloc (09022015). Collection method: clinical testing. Allele origin: germline.
Comment: This sequence change replaces threonine, which is neutral and polar, with isoleucine, which is neutral and non-polar, at codon 480 of the TFRC protein (p.Thr480Ile). This variant is present in population databases (rs747337229, gnomAD 0.0009%). This variant has not been reported in the literature in individuals affected with TFRC-related conditions. Invitae Evidence Modeling of protein sequence and biophysical properties (such as structural, functional, and spatial information, amino acid conservation, physicochemical variation, residue mobility, and thermodynamic stability) indicates that this missense variant is expected to disrupt TFRC protein function with a positive predictive value of 80%. In summary, the available evidence is currently insufficient to determine the role of this variant in disease. Therefore, it has been classified as a Variant of Uncertain Significance.